The following is an entry in ClinVar:

NM_012471.3(TRPC5):c.1528T>C (p.Leu510=)

Gene: TRPC5 (transient receptor potential cation channel subfamily C member 5; minus strand). Cytogenetic location: Xq23.
Variant type: single nucleotide variant.
Coding change: c.1528T>C on transcript NM_012471.3 (MANE Select); coding-DNA position 1528, T replaced by C.
Protein change: p.Leu510=; no amino-acid change (leucine 510 retained).
Molecular consequence: synonymous variant.
Genome position (GRCh38, 1-based): chrX:111,847,286, A>G on the plus strand (T>C on the coding strand, the complement: TRPC5 is on the minus strand). VCF-style: chrX-111847286-A-G. GRCh37 (hg19) VCF-style: chrX-111090514-A-G.
Identifiers: ClinVar variation 4990357 (VCV004990357.1).
Genomic context (GRCh38, chrX:111,847,286, plus strand): 5'-CTAGTAGTACCAGGCAGTAGATAAAGAGGAATTTGAGGATATCAAGCAGCATGCGTCCCA[A>G]AGAGATCTGCAGAGGTCCTAAGTGGGAGTTGGCTGTGAACAGGGATATGAGACGCAACGA-3'
Protein context (NP_036603.1, residues 500-520): NSHLGPLQIS[Leu510=]GRMLLDILKF

ClinVar aggregate classification (germline): Likely benign (1 of 4 stars; one submission).

Conditions:
TRPC5-related disorder. Also called: TRPC5-related condition.

gnomAD v4.1: 1 of 1,211,336 alleles (0.000083%); highest among the groups gnomAD compares: Non-Finnish European, 0.00011%; no homozygotes.

Submission:

PreventionGenetics, part of Exact Sciences
Classification: Likely benign for TRPC5-related condition. Last evaluated: 2026-04-30. Review status: criteria provided, single submitter. Criteria: ACMG Guidelines, 2015. Collection method: clinical testing. Allele origin: germline.
Comment: This variant is classified as likely benign based on ACMG/AMP sequence variant interpretation guidelines (Richards et al. 2015 PMID: 25741868, with internal and published modifications).